The following is an entry in ClinVar:

NM_000548.5(TSC2):c.1871A>C (p.Asp624Ala)

Gene: TSC2 (TSC complex subunit 2; plus strand). Cytogenetic location: 16p13.3.
Variant type: single nucleotide variant.
Coding change: c.1871A>C on transcript NM_000548.5 (MANE Select); coding-DNA position 1871, A replaced by C.
Protein change: p.Asp624Ala; replaces aspartic acid 624 with alanine.
Molecular consequence: missense variant.
Genome position (GRCh38, 1-based): chr16:2,071,541, A>C. VCF-style: chr16-2071541-A-C. GRCh37 (hg19) VCF-style: chr16-2121542-A-C.
Other names: c.1871A>C, p.Asp624Ala (NM_001077183.3, NM_001114382.3, NM_001363528.2 and 3 more transcripts); c.1760A>C, p.Asp587Ala (NM_001318827.2); c.1724A>C, p.Asp575Ala (NM_001318829.2); c.1271A>C, p.Asp424Ala (NM_001318831.2); c.1904A>C, p.Asp635Ala (NM_001318832.2); short protein forms D424A, D575A, D587A, D624A, D635A.
Identifiers: ClinVar variation 1308131 (VCV001308131.12), dbSNP rs2151296839, ClinGen allele CA394273085.
Genomic context (GRCh38, chr16:2,071,541, plus strand): 5'-TCTGGCTTTCACCATCCTCTTCCTGACAGGCCTTTGACTTCCTGTTGCTGCTGCGGGCCG[A>C]CTCACTGCACCGCCTGGGCCTGCCCAACAAGGATGGAGTCGTGCGGTTCAGCCCCTACTG-3'
Protein context (NP_000539.2, residues 614-634): AFDFLLLLRA[Asp624Ala]SLHRLGLPNK

ClinVar aggregate classification (germline): Conflicting classifications of pathogenicity. Review status: criteria provided, conflicting classifications (1 of 4 stars). 3 submissions from 3 submitters: Likely pathogenic (1); Uncertain significance (2). Last evaluated 2026-06-03.

Conditions:
Hereditary cancer-predisposing syndrome. Also called: Neoplastic Syndromes, Hereditary; Tumor predisposition; Hereditary Cancer Syndrome; Hereditary neoplastic syndrome. Identifiers: Orphanet 140162, MedGen C0027672, MeSH D009386, MONDO:0015356.
Tuberous sclerosis 2 (TSC2). Identifiers: Orphanet 805, MedGen C1860707, MONDO:0013199, OMIM 613254.

Submissions (3):

Ambry Genetics
Classification: Likely pathogenic for Hereditary cancer-predisposing syndrome. Last evaluated: 2026-06-03. Review status: criteria provided, single submitter. Criteria: Ambry Variant Classification Scheme 2023. Collection method: clinical testing. Allele origin: germline.
Comment: The p.D624A variant (also known as c.1871A>C), located in coding exon 17 of the TSC2 gene, results from an A to C substitution at nucleotide position 1871. The aspartic acid at codon 624 is replaced by alanine, an amino acid with dissimilar properties. This variant was identified in one or more individuals with features consistent with tuberous sclerosis complex and segregated with disease in at least one family (Ambry internal data). This amino acid position is conserved. In addition, this alteration is predicted to be deleterious by in silico analysis. This variant is considered to be rare based on population cohorts in the Genome Aggregation Database (gnomAD). Based on the majority of available evidence to date, this variant is likely to be pathogenic.

Labcorp Genetics (formerly Invitae), Labcorp
Classification: Uncertain significance for Tuberous sclerosis 2. Last evaluated: 2025-09-24. Review status: criteria provided, single submitter. Criteria: Invitae Variant Classification Sherloc (09022015). Collection method: clinical testing. Allele origin: germline.
Comment: This sequence change replaces aspartic acid, which is acidic and polar, with alanine, which is neutral and non-polar, at codon 624 of the TSC2 protein (p.Asp624Ala). This variant is not present in population databases (gnomAD no frequency). This missense change has been observed in individual(s) with clinical features of tuberous sclerosis complex (internal data). ClinVar contains an entry for this variant (Variation ID: 1308131). Invitae Evidence Modeling of protein sequence and biophysical properties (such as structural, functional, and spatial information, amino acid conservation, physicochemical variation, residue mobility, and thermodynamic stability) has been performed for this missense variant. However, the output from this modeling did not meet the statistical confidence thresholds required to predict the impact of this variant on TSC2 protein function. In summary, the available evidence is currently insufficient to determine the role of this variant in disease. Therefore, it has been classified as a Variant of Uncertain Significance.

GeneDx
Classification: Uncertain significance. Last evaluated: 2019-08-19. Review status: criteria provided, single submitter. Criteria: GeneDx Variant Classification Process June 2021. Collection method: clinical testing. Allele origin: germline. Affected: yes.
Comment: Not observed in large population cohorts (Lek et al., 2016); In silico analysis, which includes protein predictors and evolutionary conservation, supports a deleterious effect; Has not been previously published as pathogenic or benign to our knowledge; This substitution does not occur within known functional domains of the tuberin protein, where many pathogenic missense variants have been identified (Northrup et al., 2018; Au et al., 2007); This variant is associated with the following publications: (PMID: 31295639)